The following is an entry in ClinVar:

ClinVar aggregate classification (germline): Uncertain significance (1 of 4 stars; one submission).

Allele frequency attached by ClinVar (database versions not stated): gnomAD 0.00001; gnomAD exomes 0.00002; ExAC 0.00004.
gnomAD v4.1: 12 of 1,586,158 alleles (0.00076%); highest among the groups gnomAD compares: South Asian, 0.012%; no homozygotes.

Submission:

Labcorp Genetics (formerly Invitae), Labcorp
Classification: Uncertain significance. Last evaluated: 2023-01-12. Review status: criteria provided, single submitter. Criteria: Invitae Variant Classification Sherloc (09022015). Collection method: clinical testing. Allele origin: germline.
Comment: In summary, the available evidence is currently insufficient to determine the role of this variant in disease. Therefore, it has been classified as a Variant of Uncertain Significance. Variants that disrupt the consensus splice site are a relatively common cause of aberrant splicing (PMID: 17576681, 9536098). Algorithms developed to predict the effect of sequence changes on RNA splicing suggest that this variant may disrupt the consensus splice site. Algorithms developed to predict the effect of missense changes on protein structure and function are either unavailable or do not agree on the potential impact of this missense change (SIFT: "Tolerated"; PolyPhen-2: "Not Available"; Align-GVGD: "Class C0"). This variant has not been reported in the literature in individuals affected with DNA2-related conditions. This variant is present in population databases (rs754860265, gnomAD 0.03%). This sequence change replaces serine, which is neutral and polar, with asparagine, which is neutral and polar, at codon 588 of the DNA2 protein (p.Ser588Asn). This variant also falls at the last nucleotide of exon 11, which is part of the consensus splice site for this exon.

Literature cited by the submitters: PubMed 17576681; PubMed 9536098.

NM_001080449.3(DNA2):c.1763G>A (p.Ser588Asn)

Gene: DNA2 (DNA replication helicase/nuclease 2; minus strand). Cytogenetic location: 10q21.3.
Variant type: single nucleotide variant.
Coding change: c.1763G>A on transcript NM_001080449.3 (MANE Select); coding-DNA position 1763, G replaced by A.
Protein change: p.Ser588Asn; replaces serine 588 with asparagine.
Molecular consequence: missense variant. On other transcripts: non-coding transcript variant (1).
Genome position (GRCh38, 1-based): chr10:68,432,394, C>T on the plus strand (G>A on the coding strand, the complement: DNA2 is on the minus strand). VCF-style: chr10-68432394-C-T. GRCh37 (hg19) VCF-style: chr10-70192151-C-T.
Other names: short protein forms S588N.
Identifiers: ClinVar variation 2874356 (VCV002874356.3), dbSNP rs754860265, ClinGen allele CA5524994.